The following is an entry in ClinVar:

NM_000038.6(APC):c.7334A>T (p.Lys2445Ile)

Gene: APC (APC regulator of Wnt signaling pathway; plus strand). Cytogenetic location: 5q22.2.
Variant type: single nucleotide variant.
Coding change: c.7334A>T on transcript NM_000038.6 (MANE Select); coding-DNA position 7334, A replaced by T.
Protein change: p.Lys2445Ile; replaces lysine 2445 with isoleucine.
Molecular consequence: missense variant. On other transcripts: non-coding transcript variant (2).
Genome position (GRCh38, 1-based): chr5:112,842,928, A>T. VCF-style: chr5-112842928-A-T. GRCh37 (hg19) VCF-style: chr5-112178625-A-T.
Other names: c.6485A>T, p.Lys2162Ile (NM_001354906.2, NM_001407470.1); c.7418A>T, p.Lys2473Ile (NM_001407446.1); c.7388A>T, p.Lys2463Ile (NM_001407447.1, NM_001407448.1, NM_001407449.1 and 1 more transcripts); c.7334A>T, p.Lys2445Ile (NM_001407450.1, NM_001127510.3, NM_001354895.2); c.7313A>T, p.Lys2438Ile (NM_001407451.1); c.7304A>T, p.Lys2435Ile (NM_001407452.1); c.7280A>T, p.Lys2427Ile (NM_001127511.3); c.7364A>T, p.Lys2455Ile (NM_001354897.2); and 11 more; short protein forms K2162I, K2285I, K2316I, K2344I, K2417I, K2435I, K2438I, K2445I.
Identifiers: ClinVar variation 2812846 (VCV002812846.3), dbSNP rs1465349688, ClinGen allele CA16037304.

ClinVar aggregate classification (germline): Uncertain significance (1 of 4 stars; one submission).

Conditions:
Familial adenomatous polyposis 1 (FAP1). Also called: FAMILIAL ADENOMATOUS POLYPOSIS 1, ATTENUATED; POLYPOSIS, ADENOMATOUS INTESTINAL. Identifiers: MedGen C2713442, MONDO:0021056, OMIM 175100. Disease mechanism: loss of function.

Submission:

Labcorp Genetics (formerly Invitae), Labcorp
Classification: Uncertain significance for Familial adenomatous polyposis 1. Last evaluated: 2022-11-08. Review status: criteria provided, single submitter. Criteria: Invitae Variant Classification Sherloc (09022015). Collection method: clinical testing. Allele origin: germline.
Comment: Advanced modeling of protein sequence and biophysical properties (such as structural, functional, and spatial information, amino acid conservation, physicochemical variation, residue mobility, and thermodynamic stability) performed at Invitae indicates that this missense variant is not expected to disrupt APC protein function. In summary, the available evidence is currently insufficient to determine the role of this variant in disease. Therefore, it has been classified as a Variant of Uncertain Significance. This variant has not been reported in the literature in individuals affected with APC-related conditions. This variant is not present in population databases (gnomAD no frequency). This sequence change replaces lysine, which is basic and polar, with isoleucine, which is neutral and non-polar, at codon 2445 of the APC protein (p.Lys2445Ile).